The following is an entry in ClinVar:

NM_001165963.4(SCN1A):c.4594G>A (p.Gly1532Arg)

Genes: SCN1A (sodium voltage-gated channel alpha subunit 1; minus strand), LOC102724058 (uncharacterized LOC102724058; plus strand). Cytogenetic location: 2q24.3.
Variant type: single nucleotide variant.
Coding change: c.4594G>A on transcript NM_001165963.4 (MANE Select); coding-DNA position 4594, G replaced by A.
Protein change: p.Gly1532Arg; replaces glycine 1532 with arginine.
Molecular consequence: missense variant. On other transcripts: non-coding transcript variant (1).
Genome position (GRCh38, 1-based): chr2:165,994,404, C>T on the plus strand (G>A on the coding strand, the complement: SCN1A is on the minus strand). VCF-style: chr2-165994404-C-T. GRCh37 (hg19) VCF-style: chr2-166850914-C-T.
Other names: c.4510G>A, p.Gly1504Arg (NM_001165964.3, NM_001353957.2, NM_001353958.2); c.4594G>A, p.Gly1532Arg (NM_001202435.3, NM_001353948.2); c.4561G>A, p.Gly1521Arg (NM_001353949.2, NM_001353950.2, NM_001353951.2 and 2 more transcripts); c.4558G>A, p.Gly1520Arg (NM_001353954.2, NM_001353955.2); c.4507G>A, p.Gly1503Arg (NM_001353960.2); c.2152G>A, p.Gly718Arg (NM_001353961.2); short protein forms G1532R, G718R, G1503R, G1520R, G1504R, G1521R.
Identifiers: ClinVar variation 1382067 (VCV001382067.9), dbSNP rs1553521078, ClinGen allele CA349072354.

ClinVar aggregate classification (germline): Uncertain significance (1 of 4 stars; one submission).

Conditions:
Early-infantile DEE. Also called: Ohtahara syndrome; Early infantile epileptic encephalopathy; Early infantile epileptic encephalopathy with suppression bursts. Identifiers: Orphanet 1934, MedGen C0393706, MONDO:0800491.

Submission:

Labcorp Genetics (formerly Invitae), Labcorp
Classification: Uncertain significance for Early-infantile DEE. Last evaluated: 2021-03-26. Review status: criteria provided, single submitter. Criteria: Invitae Variant Classification Sherloc (09022015). Collection method: clinical testing. Allele origin: germline.
Comment: This variant has not been reported in the literature in individuals with SCN1A-related conditions. In summary, the available evidence is currently insufficient to determine the role of this variant in disease. Therefore, it has been classified as a Variant of Uncertain Significance. Advanced modeling of protein sequence and biophysical properties (such as structural, functional, and spatial information, amino acid conservation, physicochemical variation, residue mobility, and thermodynamic stability) performed at Invitae indicates that this missense variant is expected to disrupt SCN1A protein function. This variant is not present in population databases (ExAC no frequency). This sequence change replaces glycine with arginine at codon 1532 of the SCN1A protein (p.Gly1532Arg). The glycine residue is highly conserved and there is a moderate physicochemical difference between glycine and arginine.